The following is an entry in ClinVar:

ClinVar aggregate classification (germline): Uncertain significance (1 of 4 stars; one submission).

Conditions:
Idiopathic generalized epilepsy. Also called: Generalised epilepsy; EIG. Identifiers: MedGen C0270850, MONDO:0005579, OMIM 600669.

Allele frequency attached by ClinVar (database versions not stated): ExAC 0.00002; gnomAD exomes 0.00001.

Submission:

Labcorp Genetics (formerly Invitae), Labcorp
Classification: Uncertain significance for Idiopathic generalized epilepsy. Last evaluated: 2023-07-25. Review status: criteria provided, single submitter. Criteria: Invitae Variant Classification Sherloc (09022015). Collection method: clinical testing. Allele origin: germline.
Comment: This variant has not been reported in the literature in individuals affected with GABRD-related conditions. This sequence change replaces glycine, which is neutral and non-polar, with arginine, which is basic and polar, at codon 60 of the GABRD protein (p.Gly60Arg). This variant is present in population databases (rs749214783, gnomAD 0.003%). ClinVar contains an entry for this variant (Variation ID: 841651). An algorithm developed to predict the effect of missense changes on protein structure and function (PolyPhen-2) suggests that this variant is likely to be disruptive. In summary, the available evidence is currently insufficient to determine the role of this variant in disease. Therefore, it has been classified as a Variant of Uncertain Significance.

NM_000815.5(GABRD):c.178G>A (p.Gly60Arg)

Gene: GABRD (gamma-aminobutyric acid type A receptor subunit delta; plus strand). Cytogenetic location: 1p36.33.
Variant type: single nucleotide variant.
Coding change: c.178G>A on transcript NM_000815.5 (MANE Select); coding-DNA position 178, G replaced by A.
Protein change: p.Gly60Arg; replaces glycine 60 with arginine.
Molecular consequence: missense variant.
Genome position (GRCh38, 1-based): chr1:2,025,051, G>A. VCF-style: chr1-2025051-G-A. GRCh37 (hg19) VCF-style: chr1-1956490-G-A.
Other names: short protein forms G60R.
Identifiers: ClinVar variation 841651 (VCV000841651.9), dbSNP rs749214783, ClinGen allele CA534531.